The following is an entry in ClinVar:

ClinVar aggregate classification (germline): Uncertain significance (1 of 4 stars; one submission).

Conditions:
Cryopyrin associated periodic syndrome (CAPS). Identifiers: Orphanet 208650, MedGen C2316212, MONDO:0016168.

Submission:

Labcorp Genetics (formerly Invitae), Labcorp
Classification: Uncertain significance for Cryopyrin associated periodic syndrome. Last evaluated: 2019-03-25. Review status: criteria provided, single submitter. Criteria: Invitae Variant Classification Sherloc (09022015). Collection method: clinical testing. Allele origin: germline.
Comment: In summary, the available evidence is currently insufficient to determine the role of this variant in disease. Therefore, it has been classified as a Variant of Uncertain Significance. This sequence change replaces cysteine with glycine at codon 150 of the NLRP3 protein (p.Cys150Gly). The cysteine residue is moderately conserved and there is a large physicochemical difference between cysteine and glycine. This variant has not been reported in the literature in individuals with NLRP3-related conditions. Algorithms developed to predict the effect of missense changes on protein structure and function (SIFT, PolyPhen-2, Align-GVGD) all suggest that this variant is likely to be tolerated, but these predictions have not been confirmed by published functional studies and their clinical significance is uncertain. This variant is not present in population databases (ExAC no frequency).

NM_001243133.2(NLRP3):c.442T>G (p.Cys148Gly)

Gene: NLRP3 (NLR family pyrin domain containing 3; plus strand). Cytogenetic location: 1q44.
Variant type: single nucleotide variant.
Coding change: c.442T>G on transcript NM_001243133.2 (MANE Select); coding-DNA position 442, T replaced by G.
Protein change: p.Cys148Gly; replaces cysteine 148 with glycine.
Molecular consequence: missense variant.
Genome position (GRCh38, 1-based): chr1:247,423,891, T>G. VCF-style: chr1-247423891-T-G. GRCh37 (hg19) VCF-style: chr1-247587193-T-G.
Other names: c.442T>G, p.Cys148Gly (NM_001079821.3, NM_001127461.3, NM_001127462.3 and 1 more transcripts); c.448T>G, p.Cys150Gly (NM_004895.5); short protein forms C150G, C148G.
Identifiers: ClinVar variation 842006 (VCV000842006.9), dbSNP rs1662655784, ClinGen allele CA345554678.